The following is an entry in ClinVar:

ClinVar aggregate classification (germline): Uncertain significance (1 of 4 stars; one submission).

Conditions:
Hereditary cancer-predisposing syndrome. Also called: Neoplastic Syndromes, Hereditary; Tumor predisposition; Hereditary Cancer Syndrome; Hereditary neoplastic syndrome. Identifiers: Orphanet 140162, MedGen C0027672, MeSH D009386, MONDO:0015356.

Allele frequency attached by ClinVar (database versions not stated): gnomAD exomes below 0.00001; TOPMed below 0.00001; gnomAD 0.00001.
gnomAD v4.1: 3 of 1,613,720 alleles (0.00019%); highest among the groups gnomAD compares: Non-Finnish European, 0.00025%; no homozygotes.

Submission:

Ambry Genetics
Classification: Uncertain significance for Hereditary cancer-predisposing syndrome. Last evaluated: 2025-04-08. Review status: criteria provided, single submitter. Criteria: Ambry Variant Classification Scheme 2023. Collection method: clinical testing. Allele origin: germline.
Comment: The p.Q636H variant (also known as c.1908G>C), located in coding exon 12 of the RAD50 gene, results from a G to C substitution at nucleotide position 1908. The glutamine at codon 636 is replaced by histidine, an amino acid with highly similar properties. This amino acid position is conserved. In addition, this alteration is predicted to be tolerated by in silico analysis. Since supporting evidence is limited at this time, the clinical significance of this alteration remains unclear.

NM_005732.4(RAD50):c.1908G>C (p.Gln636His)

Gene: RAD50 (RAD50 double strand break repair protein; plus strand). Cytogenetic location: 5q31.1.
Variant type: single nucleotide variant.
Coding change: c.1908G>C on transcript NM_005732.4 (MANE Select); coding-DNA position 1908, G replaced by C.
Protein change: p.Gln636His; replaces glutamine 636 with histidine.
Molecular consequence: missense variant.
Genome position (GRCh38, 1-based): chr5:132,594,983, G>C. VCF-style: chr5-132594983-G-C. GRCh37 (hg19) VCF-style: chr5-131930675-G-C.
Other names: short protein forms Q636H.
Identifiers: ClinVar variation 1782441 (VCV001782441.3), dbSNP rs1180678191, ClinGen allele CA360948124.